The following is an entry in ClinVar:

NM_000051.4(ATM):c.2185T>C (p.Tyr729His)

Gene: ATM (ATM serine/threonine kinase; plus strand). Cytogenetic location: 11q22.3.
Variant type: single nucleotide variant.
Coding change: c.2185T>C on transcript NM_000051.4 (MANE Select); coding-DNA position 2185, T replaced by C.
Protein change: p.Tyr729His; replaces tyrosine 729 with histidine.
Molecular consequence: missense variant.
Genome position (GRCh38, 1-based): chr11:108,256,275, T>C. VCF-style: chr11-108256275-T-C. GRCh37 (hg19) VCF-style: chr11-108127002-T-C.
Other names: c.2185T>C, p.Tyr729His (NM_001351834.2); short protein forms Y729H.
Identifiers: ClinVar variation 1037029 (VCV001037029.7), dbSNP rs1190793955, ClinGen allele CA382538860.
Genomic context (GRCh38, chr11:108,256,275, plus strand): 5'-ATTACAAATTCAGAAACTCTTGTCCGGTGTTCACGTCTTTTGGTGGGTGTCCTTGGCTGC[T>C]ACTGTTACATGGGTGTAATAGCTGAAGAGGAAGCATATAAGTCAGAATTATTCCAGAAAG-3'
Protein context (NP_000042.3, residues 719-739): SRLLVGVLGC[Tyr729His]CYMGVIAEEE

ClinVar aggregate classification (germline): Uncertain significance (1 of 4 stars; one submission).

Conditions:
Ataxia-telangiectasia syndrome (AT). Also called: Ataxia-telangiectasia, complementation group D; ATAXIA-TELANGIECTASIA, COMPLEMENTATION GROUP A; ATAXIA-TELANGIECTASIA, FRESNO VARIANT; Ataxia-telangiectasia; Ataxia-telangiectasia, complementation group E; LOUIS-BAR SYNDROME. Identifiers: Orphanet 100, MedGen C0004135, MONDO:0008840, OMIM 208900.

Allele frequency attached by ClinVar (database versions not stated): gnomAD exomes below 0.00001.
gnomAD v4.1: 1 of 1,611,306 alleles (0.000062%); highest among the groups gnomAD compares: Non-Finnish European, 0.000085%; no homozygotes.

Submission:

Labcorp Genetics (formerly Invitae), Labcorp
Classification: Uncertain significance for Ataxia-telangiectasia syndrome. Last evaluated: 2025-10-06. Review status: criteria provided, single submitter. Criteria: Invitae Variant Classification Sherloc (09022015). Collection method: clinical testing. Allele origin: germline.
Comment: This sequence change replaces tyrosine, which is neutral and polar, with histidine, which is basic and polar, at codon 729 of the ATM protein (p.Tyr729His). This variant is present in population databases (no rsID available, gnomAD 0.0009%). This variant has not been reported in the literature in individuals affected with ATM-related conditions. ClinVar contains an entry for this variant (Variation ID: 1037029). Invitae Evidence Modeling of protein sequence and biophysical properties (such as structural, functional, and spatial information, amino acid conservation, physicochemical variation, residue mobility, and thermodynamic stability) indicates that this missense variant is not expected to disrupt ATM protein function with a negative predictive value of 95%. In summary, the available evidence is currently insufficient to determine the role of this variant in disease. Therefore, it has been classified as a Variant of Uncertain Significance.